The following is an entry in ClinVar:

NM_001282531.3(ADNP):c.906G>C (p.Gln302His)

Gene: ADNP (activity dependent neuroprotector homeobox; minus strand). Cytogenetic location: 20q13.13.
Variant type: single nucleotide variant.
Coding change: c.906G>C on transcript NM_001282531.3 (MANE Select); coding-DNA position 906, G replaced by C.
Protein change: p.Gln302His; replaces glutamine 302 with histidine.
Molecular consequence: missense variant.
Genome position (GRCh38, 1-based): chr20:50,893,808, C>G on the plus strand (G>C on the coding strand, the complement: ADNP is on the minus strand). VCF-style: chr20-50893808-C-G. GRCh37 (hg19) VCF-style: chr20-49510345-C-G.
Other names: c.906G>C, p.Gln302His (NM_001282532.2, NM_001347511.2, NM_015339.5 and 1 more transcripts); short protein forms Q302H.
Identifiers: ClinVar variation 2231352 (VCV002231352.8), dbSNP rs2515588783, ClinGen allele CA408975118.

ClinVar aggregate classification (germline): Uncertain significance. Review status: criteria provided, multiple submitters, no conflicts (2 of 4 stars). 2 submissions from 2 submitters: Uncertain significance (2). Last evaluated 2025-10-01.

Conditions:
Inborn genetic diseases. Identifiers: MedGen C0950123, MeSH D030342.

Submissions (2):

CeGaT Center for Human Genetics Tuebingen
Classification: Uncertain significance. Last evaluated: 2025-10-01. Review status: criteria provided, single submitter. Criteria: CeGaT Center For Human Genetics Tuebingen Variant Classification Criteria Version 2. Collection method: clinical testing. Allele origin: germline. Affected: yes. Observed: 1 variant allele.
Comment: ADNP: PM2

Ambry Genetics
Classification: Uncertain significance for Inborn genetic diseases. Last evaluated: 2021-07-16. Review status: criteria provided, single submitter. Criteria: Ambry Variant Classification Scheme 2023. Collection method: clinical testing. Allele origin: germline.